The following is an entry in ClinVar:

NM_003331.5(TYK2):c.1825C>T (p.Arg609Ter)

Gene: TYK2 (tyrosine kinase 2; minus strand). Cytogenetic location: 19p13.2.
Variant type: single nucleotide variant.
Coding change: c.1825C>T on transcript NM_003331.5 (MANE Select); coding-DNA position 1825, C replaced by T.
Protein change: p.Arg609Ter; replaces arginine 609 with a stop codon.
Molecular consequence: nonsense. On other transcripts: intron variant (2).
Genome position (GRCh38, 1-based): chr19:10,361,904, G>A on the plus strand (C>T on the coding strand, the complement: TYK2 is on the minus strand). VCF-style: chr19-10361904-G-A. GRCh37 (hg19) VCF-style: chr19-10472580-G-A.
Other names: c.1825C>T, p.Arg609Ter (NM_001385197.1, NM_001385198.1, NM_001385200.1 and 3 more transcripts); c.1627C>T, p.Arg543Ter (NM_001385201.1); c.1735C>T, p.Arg579Ter (NM_001385205.1); c.1699C>T, p.Arg567Ter (NM_001385206.1); c.1807C>T, p.Arg603Ter (NM_001385207.1); c.1773+174C>T (NM_001385199.1); c.1808+17C>T (NM_001385202.1); short protein forms R579*, R603*, R543*, R567*, R609*.
Identifiers: ClinVar variation 2971918 (VCV002971918.4), dbSNP rs749285570, ClinGen allele CA9193278.
Genomic context (GRCh38, chr19:10,361,904, plus strand): 5'-GCACGAGGGGGTCCTCGTCATCCATCTTGCCCTCCTCAGGGTCCCCGCTGCCCTCCACTC[G>A]CAGGCGGCCCTCATACACGTTGGTCCTTGTGCCCTGGCCCAAGTGGGACAGCTGCGGGAT-3'

ClinVar aggregate classification (germline): Pathogenic/Likely pathogenic. Review status: criteria provided, multiple submitters, no conflicts (2 of 4 stars). 2 submissions from 2 submitters: Pathogenic (1); Likely pathogenic (1). Last evaluated 2023-04-06.

Conditions:
Immunodeficiency 35 (IMD35). Also called: Susceptibility to infection due to TYK2 deficiency; HIES WITH ATYPICAL MYCOBACTERIOSIS, AUTOSOMAL RECESSIVE; HYPER-IgE SYNDROME WITH ATYPICAL MYCOBACTERIOSIS, AUTOSOMAL RECESSIVE; TYK2 DEFICIENCY. Identifiers: Orphanet 331226, MedGen C1969086, MONDO:0012682, OMIM 611521.
TYK2-related disorder. Also called: TYK2-related condition.

Allele frequency attached by ClinVar (database versions not stated): gnomAD exomes below 0.00001; TOPMed below 0.00001; ExAC 0.00001.
gnomAD v4.1: 5 of 1,614,032 alleles (0.00031%); highest among the groups gnomAD compares: Admixed American, 0.0017%; no homozygotes.

Submissions (2):

Labcorp Genetics (formerly Invitae), Labcorp
Classification: Pathogenic for Immunodeficiency 35. Last evaluated: 2023-04-06. Review status: criteria provided, single submitter. Criteria: Invitae Variant Classification Sherloc (09022015). Collection method: clinical testing. Allele origin: germline.
Comment: For these reasons, this variant has been classified as Pathogenic. This sequence change creates a premature translational stop signal (p.Arg609*) in the TYK2 gene. It is expected to result in an absent or disrupted protein product. Loss-of-function variants in TYK2 are known to be pathogenic (PMID: 22402565, 26304966). The frequency data for this variant in the population databases is considered unreliable, as metrics indicate poor data quality at this position in the gnomAD database. This variant has not been reported in the literature in individuals affected with TYK2-related conditions. Algorithms developed to predict the effect of sequence changes on RNA splicing suggest that this variant may create or strengthen a splice site.

Blueprint Genetics
Classification: Likely pathogenic for TYK2-related disorders. Last evaluated: 2022-01-10. Review status: criteria provided, single submitter. Criteria: ACMG Guidelines, 2015. Collection method: clinical testing. Allele origin: germline. Affected: yes. Observed: 3 variant alleles.

Literature cited by the submitters: PubMed 22402565 (cited by Labcorp Genetics (formerly Invitae), Labcorp); PubMed 26304966 (cited by Labcorp Genetics (formerly Invitae), Labcorp).